The following is an entry in ClinVar:

ClinVar aggregate classification (germline): Conflicting classifications of pathogenicity. Review status: criteria provided, conflicting classifications (1 of 4 stars). 8 submissions from 8 submitters: Uncertain significance (5); Likely benign (3). Last evaluated 2025-06-15.

Conditions:
Cardiovascular phenotype. Identifiers: MedGen CN230736.
Cardiomyopathy (CMYO). Also called: Cardiomyopathies. Identifiers: Orphanet 167848, MedGen C0878544, MONDO:0004994, HP:0001638. Inheritance: Various modes of inheritance.
Catecholaminergic polymorphic ventricular tachycardia 1. Also called: VENTRICULAR TACHYCARDIA, CATECHOLAMINERGIC POLYMORPHIC, 1, WITH OR WITHOUT ATRIAL DYSFUNCTION AND/OR DILATED CARDIOMYOPATHY; VENTRICULAR TACHYCARDIA, STRESS-INDUCED POLYMORPHIC 1; RYR2-Related Catecholaminergic Polymorphic Ventricular Tachycardia. Identifiers: Orphanet 3286, MedGen C1631597, MONDO:0011484, OMIM 604772.
Catecholaminergic polymorphic ventricular tachycardia (CVPT). Also called: Catecholamine-induced polymorphic ventricular tachycardia. Identifiers: Orphanet 3286, MedGen C5574922, MONDO:0017990.

Allele frequency attached by ClinVar (database versions not stated): gnomAD exomes below 0.00001; TOPMed below 0.00001; gnomAD 0.00001 and 0.00004.

Submissions (8):

Labcorp Genetics (formerly Invitae), Labcorp
Classification: Uncertain significance for Catecholaminergic polymorphic ventricular tachycardia 1. Last evaluated: 2025-06-15. Review status: criteria provided, single submitter. Criteria: Invitae Variant Classification Sherloc (09022015). Collection method: clinical testing. Allele origin: germline.
Comment: This sequence change falls in intron 7 of the RYR2 gene. It does not directly change the encoded amino acid sequence of the RYR2 protein. It affects a nucleotide within the consensus splice site. This variant is not present in population databases (gnomAD no frequency). This variant has not been reported in the literature in individuals affected with RYR2-related conditions. ClinVar contains an entry for this variant (Variation ID: 43788). Variants that disrupt the consensus splice site are a relatively common cause of aberrant splicing (PMID: 17576681, 9536098). Algorithms developed to predict the effect of sequence changes on RNA splicing suggest that this variant is not likely to affect RNA splicing. In summary, the available evidence is currently insufficient to determine the role of this variant in disease. Therefore, it has been classified as a Variant of Uncertain Significance.

Blueprint Genetics
Classification: Uncertain significance. Last evaluated: 2024-11-11. Review status: criteria provided, single submitter. Criteria: ACMG Guidelines, 2015. Collection method: clinical testing. Allele origin: germline.

All of Us Research Program, National Institutes of Health
Classification: Likely benign for Catecholaminergic polymorphic ventricular tachycardia. Last evaluated: 2023-11-02. Review status: criteria provided, single submitter. Criteria: ACMG Guidelines, 2015. Collection method: clinical testing. Allele origin: germline. Inheritance: Autosomal dominant inheritance. Observed: 1 variant allele, 1 heterozygote.
Comment: This study involves interpretation of variants in research participants for the purpose of population health screening. Participant phenotype was not available at the time of variant classification. Additional details can be found in publication PMID: 35346344, PMCID: PMC8962531

Ambry Genetics
Classification: Uncertain significance for Cardiovascular phenotype. Last evaluated: 2022-03-14. Review status: criteria provided, single submitter. Criteria: Ambry Variant Classification Scheme 2023. Collection method: clinical testing. Allele origin: germline.
Comment: The c.463+6C>T intronic alteration consists of a C to T substitution 6 nucleotides after exon 7 of the RYR2 gene. Based on insufficient or conflicting evidence, the clinical significance of this alteration remains unclear.

GeneDx
Classification: Likely benign. Last evaluated: 2019-09-26. Review status: criteria provided, single submitter. Criteria: GeneDx Variant Classification Process June 2021. Collection method: clinical testing. Allele origin: germline. Affected: yes.

Color Diagnostics, LLC DBA Color Health
Classification: Likely benign for Cardiomyopathy. Last evaluated: 2019-07-20. Review status: criteria provided, single submitter. Criteria: ACMG Guidelines, 2015. Collection method: clinical testing. Allele origin: germline.

CHEO Genetics Diagnostic Laboratory, Children's Hospital of Eastern Ontario
Classification: Uncertain significance for Cardiomyopathy. Last evaluated: 2017-11-23. Review status: criteria provided, single submitter. Criteria: ACMG Guidelines, 2015. Collection method: clinical testing. Allele origin: germline.

Laboratory for Molecular Medicine, Mass General Brigham Personalized Medicine
Classification: Uncertain significance. Last evaluated: 2012-08-14. Review status: criteria provided, single submitter. Criteria: LMM Criteria. Collection method: clinical testing. Allele origin: germline. Observed: 1 variant allele.
Comment: Variant classified as Uncertain Significance - Favor Benign. The 463+6C>T varian t in RYR2 has not been reported in the literature nor previously identified by o ur laboratory. This variant is located in the 5' splice region. Computational to ols do not suggest an impact to splicing, although this information is not predi ctive enough to rule out pathogenicity. Additional information is needed to full y assess the clinical significance of this variant.

Literature cited by the submitters: PubMed 17576681 (cited by Labcorp Genetics (formerly Invitae), Labcorp); PubMed 9536098 (cited by Labcorp Genetics (formerly Invitae), Labcorp).

NM_001035.3(RYR2):c.463+6C>T

Gene: RYR2 (ryanodine receptor 2; plus strand). Cytogenetic location: 1q43.
Variant type: single nucleotide variant.
Coding change: c.463+6C>T on transcript NM_001035.3 (MANE Select); 6 bases into the intron after coding-DNA position 463, C replaced by T.
Molecular consequence: intron variant.
Genome position (GRCh38, 1-based): chr1:237,374,801, C>T. VCF-style: chr1-237374801-C-T. GRCh37 (hg19) VCF-style: chr1-237538101-C-T.
Identifiers: ClinVar variation 43788 (VCV000043788.16), dbSNP rs397516533, ClinGen allele CA009613.